The following is an entry in ClinVar:

ClinVar aggregate classification (germline): Likely benign. Review status: criteria provided, multiple submitters, no conflicts (2 of 4 stars). 3 submissions from 3 submitters: Likely benign (3). Last evaluated 2024-12-01.

Allele frequency attached by ClinVar (database versions not stated): TOPMed 0.00008.
gnomAD v4.1: 99 of 1,613,958 alleles (0.0061%); highest among the groups gnomAD compares: Middle Eastern, 0.016%; no homozygotes.

Submissions (3):

CeGaT Center for Human Genetics Tuebingen
Classification: Likely benign. Last evaluated: 2024-12-01. Review status: criteria provided, single submitter. Criteria: CeGaT Center For Human Genetics Tuebingen Variant Classification Criteria Version 2. Collection method: clinical testing. Allele origin: germline. Affected: yes. Observed: 1 variant allele.
Comment: ATP5F1A: BP4, BP7

Labcorp Genetics (formerly Invitae), Labcorp
Classification: Likely benign. Last evaluated: 2022-11-24. Review status: criteria provided, single submitter. Criteria: Invitae Variant Classification Sherloc (09022015). Collection method: clinical testing. Allele origin: germline.

GeneDx
Classification: Likely benign. Last evaluated: 2016-12-05. Review status: criteria provided, single submitter. Criteria: GeneDx Variant Classification (06012015). Collection method: clinical testing. Allele origin: germline. Affected: yes.
Comment: This variant is considered likely benign or benign based on one or more of the following criteria: it is a conservative change, it occurs at a poorly conserved position in the protein, it is predicted to be benign by multiple in silico algorithms, and/or has population frequency not consistent with disease.

NM_004046.6(ATP5F1A):c.1257C>T (p.Ser419=)

Gene: ATP5F1A (ATP synthase F1 subunit alpha; minus strand). Cytogenetic location: 18q21.1.
Variant type: single nucleotide variant.
Coding change: c.1257C>T on transcript NM_004046.6 (MANE Select); coding-DNA position 1257, C replaced by T.
Protein change: p.Ser419=; no amino-acid change (serine 419 retained).
Molecular consequence: synonymous variant.
Genome position (GRCh38, 1-based): chr18:46,086,414, G>A on the plus strand (C>T on the coding strand, the complement: ATP5F1A is on the minus strand). VCF-style: chr18-46086414-G-A. GRCh37 (hg19) VCF-style: chr18-43666380-G-A.
Other names: c.1107C>T, p.Ser369= (NM_001001935.3, NM_001257335.2); c.1257C>T, p.Ser419= (NM_001001937.2); c.1191C>T, p.Ser397= (NM_001257334.2).
Identifiers: ClinVar variation 382584 (VCV000382584.17), dbSNP rs750265360, ClinGen allele CA8950617.
Genomic context (GRCh38, chr18:46,086,414, plus strand): 5'-AGCCCCCTTACTGCCAAAGTGATGCAAAATTACCTGCTTCATAGCCCTGGTTTGGGCAGC[G>A]GATCCGACACGAGATACAGACAGACCAACGTTAATTGCAGGGCGGATACCTTTGTAGAAC-3'
Protein context (NP_004037.1, residues 409-429): NVGLSVSRVG[Ser419=]AAQTRAMKQV